The following is an entry in ClinVar:

ClinVar aggregate classification (germline): Uncertain significance. Review status: criteria provided, single submitter (1 of 4 stars). 2 submissions from 2 submitters: Uncertain significance (1). 1 of the submissions does not count toward it. Last evaluated 2024-08-27.

Conditions:
PKD1-related disorder. Also called: PKD1-related condition.
Inborn genetic diseases. Identifiers: MedGen C0950123, MeSH D030342.

gnomAD v4.1: 49 of 1,605,862 alleles (0.0031%); highest among the groups gnomAD compares: African/African-American, 0.033%; no homozygotes.

Submissions (2):

Ambry Genetics
Classification: Uncertain significance for Inborn genetic diseases. Last evaluated: 2024-08-27. Review status: criteria provided, single submitter. Criteria: Ambry Variant Classification Scheme 2023. Collection method: clinical testing. Allele origin: germline.

PreventionGenetics, part of Exact Sciences
Classification: Likely benign for PKD1-related condition. Last evaluated: 2024-04-25. Review status: no assertion criteria provided. Collection method: clinical testing. Allele origin: germline. Not counted in ClinVar's aggregate classification.
Comment: This variant is classified as likely benign based on ACMG/AMP sequence variant interpretation guidelines (Richards et al. 2015 PMID: 25741868, with internal and published modifications).

NM_001009944.3(PKD1):c.887C>T (p.Ala296Val)

Gene: PKD1 (polycystin 1, transient receptor potential channel interacting; minus strand). Cytogenetic location: 16p13.3.
Variant type: single nucleotide variant.
Coding change: c.887C>T on transcript NM_001009944.3 (MANE Select); coding-DNA position 887, C replaced by T.
Protein change: p.Ala296Val; replaces alanine 296 with valine.
Molecular consequence: missense variant.
Genome position (GRCh38, 1-based): chr16:2,118,105, G>A on the plus strand (C>T on the coding strand, the complement: PKD1 is on the minus strand). VCF-style: chr16-2118105-G-A. GRCh37 (hg19) VCF-style: chr16-2168106-G-A.
Other names: c.887C>T, p.Ala296Val (NM_000296.4); c.887C>T (NM_000296.3); short protein forms A296V.
Identifiers: ClinVar variation 3352982 (VCV003352982.2).